The following is an entry in ClinVar:

NC_000023.10:g.(?_46696477)_(46741794_?)dup

Gene: RP2 (RP2 activator of ARL3 GTPase; plus strand). Cytogenetic location: Xp11.23.
Variant type: Duplication.
Identifiers: ClinVar variation 4688503 (VCV004688503.1).

ClinVar aggregate classification (germline): Uncertain significance (1 of 4 stars; one submission).

Submission:

Women's Health and Genetics/Laboratory Corporation of America, LabCorp
Classification: Uncertain significance. Last evaluated: 2025-12-30. Review status: criteria provided, single submitter. Criteria: LabCorp Variant Classification Summary - May 2015. Collection method: clinical testing. Allele origin: germline.
Comment: Variant summary: The variant involves the duplication of exons 1-5 in the RP2 gene. A presumed nomenclature of c.(?_-59)_(*2590_?)dup has been designated for the purposes of this classification. This duplication includes the entire coding sequence of the gene. As exact breakpoints are unknown, it may extend beyond the annotated region of the gene, to include other flanking genes. The variant was absent in 16004 control chromosomes. The available data on variant occurrences in the general population are insufficient to allow any conclusion about variant significance. To our knowledge, no occurrence of c.(?_-59)_(*2590_?)dup in individuals affected with RP2-related conditions and no experimental evidence demonstrating its impact on protein function have been reported. ClinVar contains an entry for this variant (Variation ID: 1343626). Based on the evidence outlined above, the variant was classified as uncertain significance.